The following is an entry in ClinVar:

ClinVar aggregate classification (germline): Uncertain significance (1 of 4 stars; one submission).

Conditions:
Neuroblastoma, susceptibility to, 3. Also called: ALK-Related Neuroblastic Tumor Susceptibility. Identifiers: Orphanet 635, MedGen C2751681, MONDO:0013083, OMIM 613014.

Submission:

Labcorp Genetics (formerly Invitae), Labcorp
Classification: Uncertain significance for Neuroblastoma, susceptibility to, 3. Last evaluated: 2022-06-03. Review status: criteria provided, single submitter. Criteria: Invitae Variant Classification Sherloc (09022015). Collection method: clinical testing. Allele origin: germline.
Comment: Algorithms developed to predict the effect of sequence changes on RNA splicing suggest that this variant may disrupt the consensus splice site. This variant has not been reported in the literature in individuals affected with ALK-related conditions. This variant is not present in population databases (gnomAD no frequency). This sequence change affects an acceptor splice site in intron 16 of the ALK gene. It is expected to disrupt RNA splicing. Variants that disrupt the donor or acceptor splice site typically lead to a loss of protein function (PMID: 16199547), however the current clinical and genetic evidence is not sufficient to establish whether loss-of-function variants in ALK cause disease. In summary, the available evidence is currently insufficient to determine the role of this variant in disease. Therefore, it has been classified as a Variant of Uncertain Significance.

Literature cited by the submitters: PubMed 16199547.

NM_004304.5(ALK):c.2816-1G>A

Gene: ALK (ALK receptor tyrosine kinase; minus strand). Cytogenetic location: 2p23.2.
Variant type: single nucleotide variant.
Coding change: c.2816-1G>A on transcript NM_004304.5 (MANE Select); the canonical splice acceptor site of the intron before coding-DNA position 2816, G replaced by A.
Molecular consequence: splice acceptor variant.
Genome position (GRCh38, 1-based): chr2:29,227,673, C>T on the plus strand (G>A on the coding strand, the complement: ALK is on the minus strand). VCF-style: chr2-29227673-C-T. GRCh37 (hg19) VCF-style: chr2-29450539-C-T.
Identifiers: ClinVar variation 2002163 (VCV002002163.4), dbSNP rs2465973779, ClinGen allele CA346468965.